The following is an entry in ClinVar:

ClinVar aggregate classification (germline): Uncertain significance (1 of 4 stars; one submission).

Conditions:
Epilepsy. Also called: Seizure disorder. Identifiers: MedGen C0014544, MeSH D004827, MONDO:0005027.

Allele frequency attached by ClinVar (database versions not stated): gnomAD exomes below 0.00001 and 0.00001; gnomAD 0.00001; TOPMed 0.00001.

Submission:

Labcorp Genetics (formerly Invitae), Labcorp
Classification: Uncertain significance for Epilepsy. Last evaluated: 2022-06-02. Review status: criteria provided, single submitter. Criteria: Invitae Variant Classification Sherloc (09022015). Collection method: clinical testing. Allele origin: germline.
Comment: This sequence change replaces arginine, which is basic and polar, with histidine, which is basic and polar, at codon 79 of the PIGQ protein (p.Arg79His). The frequency data for this variant in the population databases is considered unreliable, as metrics indicate poor data quality at this position in the gnomAD database. This variant has not been reported in the literature in individuals affected with PIGQ-related conditions. ClinVar contains an entry for this variant (Variation ID: 456040). Algorithms developed to predict the effect of missense changes on protein structure and function output the following: SIFT: "Tolerated"; PolyPhen-2: "Benign"; Align-GVGD: "Class C0". The histidine amino acid residue is found in multiple mammalian species, which suggests that this missense change does not adversely affect protein function. In summary, the available evidence is currently insufficient to determine the role of this variant in disease. Therefore, it has been classified as a Variant of Uncertain Significance.

NM_004204.5(PIGQ):c.236G>A (p.Arg79His)

Gene: PIGQ (phosphatidylinositol glycan anchor biosynthesis class Q; plus strand). Cytogenetic location: 16p13.3.
Variant type: single nucleotide variant.
Coding change: c.236G>A on transcript NM_004204.5 (MANE Select); coding-DNA position 236, G replaced by A.
Protein change: p.Arg79His; replaces arginine 79 with histidine.
Molecular consequence: missense variant.
Genome position (GRCh38, 1-based): chr16:574,310, G>A. VCF-style: chr16-574310-G-A. GRCh37 (hg19) VCF-style: chr16-624310-G-A.
Other names: c.236G>A, p.Arg79His (NM_148920.4); short protein forms R79H.
Identifiers: ClinVar variation 456040 (VCV000456040.8), dbSNP rs1424030074, ClinGen allele CA394047052.
Genomic context (GRCh38, chr16:574,310, plus strand): 5'-GCGTGGCCGTGCTGGGCACCTGGTGCCACTGCCGGCAGGAGCCCGAGGAGAGCCTGGGCC[G>A]CTTCCTGGAGAGCCTGGGTGCTGTCTTCCCCCATGAGCCCTGGCTGCGGCTGTGCCGGGA-3'
Protein context (NP_004195.2, residues 69-89): CRQEPEESLG[Arg79His]FLESLGAVFP